The following is an entry in ClinVar:

ClinVar aggregate classification (germline): Uncertain significance. Review status: criteria provided, multiple submitters, no conflicts (2 of 4 stars). 2 submissions from 2 submitters: Uncertain significance (2). Last evaluated 2026-04-27.

gnomAD v4.1: 2 of 1,614,132 alleles (0.00012%); no homozygotes.

Submissions (2):

Women's Health and Genetics/Laboratory Corporation of America, LabCorp
Classification: Uncertain significance. Last evaluated: 2026-04-27. Review status: criteria provided, single submitter. Criteria: LabCorp Variant Classification Summary - May 2015. Collection method: clinical testing. Allele origin: germline.
Comment: Variant summary: SLC7A7 c.1222C>A (p.Pro408Thr) results in a non-conservative amino acid change in the encoded protein sequence. Algorithms developed to predict the effect of missense changes on protein structure and function all suggest that this variant is likely to be disruptive. The variant allele was found at a frequency of 8e-06 in 251306 control chromosomes. The available data on variant occurrences in the general population are insufficient to allow any conclusion about variant significance. To our knowledge, no occurrence of c.1222C>A in individuals affected with SLC7A7-related conditions and no experimental evidence demonstrating its impact on protein function have been reported. No submitters have cited clinical-significance assessments for this variant to ClinVar. Based on the evidence outlined above, the variant was classified as uncertain significance.

Blueprint Genetics
Classification: Uncertain significance. Last evaluated: 2024-06-25. Review status: criteria provided, single submitter. Criteria: ACMG Guidelines, 2015. Collection method: clinical testing. Allele origin: germline.

NM_003982.4(SLC7A7):c.1222C>A (p.Pro408Thr)

Gene: SLC7A7 (solute carrier family 7 member 7; minus strand). Cytogenetic location: 14q11.2.
Variant type: single nucleotide variant.
Coding change: c.1222C>A on transcript NM_003982.4 (MANE Select); coding-DNA position 1222, C replaced by A.
Protein change: p.Pro408Thr; replaces proline 408 with threonine.
Molecular consequence: missense variant.
Genome position (GRCh38, 1-based): chr14:22,774,377, G>T on the plus strand (C>A on the coding strand, the complement: SLC7A7 is on the minus strand). VCF-style: chr14-22774377-G-T. GRCh37 (hg19) VCF-style: chr14-23243586-G-T.
Other names: c.1222C>A, p.Pro408Thr (NM_001126105.3, NM_001126106.4); short protein forms P408T.
Identifiers: ClinVar variation 4849051 (VCV004849051.2).